The following is an entry in ClinVar:

NM_153676.4(USH1C):c.759+294C>T

Gene: USH1C (USH1 protein network component harmonin; minus strand). Cytogenetic location: 11p15.1.
Variant type: single nucleotide variant.
Coding change: c.759+294C>T on transcript NM_153676.4 (MANE Select); 294 bases into the intron after coding-DNA position 759, C replaced by T.
Molecular consequence: intron variant.
Genome position (GRCh38, 1-based): chr11:17,524,157, G>A on the plus strand (C>T on the coding strand, the complement: USH1C is on the minus strand). VCF-style: chr11-17524157-G-A. GRCh37 (hg19) VCF-style: chr11-17545704-G-A.
Other names: c.759+294C>T (NM_001297764.2, NM_005709.4).
Identifiers: ClinVar variation 672462 (VCV000672462.1), dbSNP rs75165004, ClinGen allele CA13438247.

ClinVar aggregate classification (germline): Benign (1 of 4 stars; one submission).

Allele frequency attached by ClinVar (database versions not stated): 1000 Genomes Project 30x 0.09369; 1000 Genomes Project 0.09405; gnomAD 0.10231 and 0.10641; TOPMed 0.11173.
gnomAD v4.1: 15,520 of 152,204 alleles (10%); highest among the groups gnomAD compares: African/African-American, 19%; 1,041 homozygotes.

Submission:

GeneDx
Classification: Benign. Last evaluated: 2018-06-14. Review status: criteria provided, single submitter. Criteria: GeneDx Variant Classification (06012015). Collection method: clinical testing. Allele origin: germline. Affected: yes.
Comment: This variant is considered likely benign or benign based on one or more of the following criteria: it is a conservative change, it occurs at a poorly conserved position in the protein, it is predicted to be benign by multiple in silico algorithms, and/or has population frequency not consistent with disease.